The following is an entry in ClinVar:

NC_000023.10:g.(?_32380895)_(32519969_?)del

Gene: DMD (dystrophin; minus strand). Cytogenetic location: Xp21.1.
Variant type: Deletion.
Identifiers: ClinVar variation 1069565 (VCV001069565.8).

ClinVar aggregate classification (germline): Pathogenic (1 of 4 stars; one submission).

Conditions:
Duchenne muscular dystrophy (DMD). Also called: MUSCULAR DYSTROPHY, PSEUDOHYPERTROPHIC PROGRESSIVE, DUCHENNE TYPE; Duchenne Muscular Dystrophy (DMD). Identifiers: Orphanet 98896, MedGen C0013264, MONDO:0010679, OMIM 310200.

Submission:

Labcorp Genetics (formerly Invitae), Labcorp
Classification: Pathogenic for Duchenne muscular dystrophy. Last evaluated: 2020-04-23. Review status: criteria provided, single submitter. Criteria: Invitae Variant Classification Sherloc (09022015). Collection method: clinical testing. Allele origin: germline.
Comment: For these reasons, this variant has been classified as Pathogenic. The region of the DMD gene that includes exon(s) 27 has been determined to be clinically significant (PMID: 20036901, 16770791, 27593222). Therefore, deletions that encompass that region are likely to disrupt protein function and cause disease. This variant has not been reported in the literature in individuals with DMD-related conditions. This variant is an in-frame deletion of the genomic region encompassing exon(s) 19-37 of the DMD gene. It preserves the integrity of the reading frame.

Literature cited by the submitters: PubMed 20036901; PubMed 16770791; PubMed 27593222.